The following is an entry in ClinVar:

ClinVar aggregate classification (germline): Pathogenic. Review status: criteria provided, multiple submitters, no conflicts (2 of 4 stars). 3 submissions from 3 submitters: Pathogenic (2). 1 of the submissions does not count toward it. Last evaluated 2024-05-29.

Conditions:
Multiple congenital exostosis (EXT). Also called: Hereditary multiple osteochondromas; MULTIPLE CARTILAGINOUS EXOSTOSES; Multiple exostoses; Multiple osteochondromas; Hereditary multiple exostoses; Hereditary multiple exostosis. Identifiers: Orphanet 321, MedGen C0015306, MONDO:0005508, HP:0002762.
Chondrosarcoma. Also called: Chondrosarcoma, somatic. Identifiers: Orphanet 55880, MedGen C0008479, MONDO:0008977, OMIM 215300, HP:0006765.

Submissions (3):

Labcorp Genetics (formerly Invitae), Labcorp
Classification: Pathogenic for Multiple congenital exostosis. Last evaluated: 2024-05-29. Review status: criteria provided, single submitter. Criteria: Invitae Variant Classification Sherloc (09022015). Collection method: clinical testing. Allele origin: germline.
Comment: This sequence change creates a premature translational stop signal (p.Trp517*) in the EXT1 gene. It is expected to result in an absent or disrupted protein product. Loss-of-function variants in EXT1 are known to be pathogenic (PMID: 10679937, 11391482, 19810120). This variant is not present in population databases (gnomAD no frequency). This premature translational stop signal has been observed in individual(s) with clinical features of hereditary multiple osteochondromatosis (PMID: 19344451, 29126381). ClinVar contains an entry for this variant (Variation ID: 932048). For these reasons, this variant has been classified as Pathogenic.

Centre for Mendelian Genomics, University Medical Centre Ljubljana
Classification: Pathogenic for Chondrosarcoma. Last evaluated: 2016-01-01. Review status: criteria provided, single submitter. Criteria: ACMG Guidelines, 2015. Collection method: clinical testing. Allele origin: unknown. Affected: yes.
Comment: This variant was classified as: Pathogenic. The following ACMG criteria were applied in classifying this variant: PP5,PP4,PP3,PM2,PM4,PVS1.

Clinical Genetics Laboratory, University Hospital Schleswig-Holstein
Classification: Pathogenic for Exostoses, multiple, type 1. Last evaluated: 2021-05-20. Review status: no assertion criteria provided. Collection method: clinical testing. Allele origin: germline. Affected: yes. Not counted in ClinVar's aggregate classification.

Literature cited by the submitters: PubMed 10679937 (cited by Labcorp Genetics (formerly Invitae), Labcorp); PubMed 11391482 (cited by Labcorp Genetics (formerly Invitae), Labcorp); PubMed 19810120 (cited by Labcorp Genetics (formerly Invitae), Labcorp); PubMed 19344451 (cited by Labcorp Genetics (formerly Invitae), Labcorp); PubMed 29126381 (cited by Labcorp Genetics (formerly Invitae), Labcorp).

NM_000127.3(EXT1):c.1551G>A (p.Trp517Ter)

Gene: EXT1 (exostosin glycosyltransferase 1; minus strand). Cytogenetic location: 8q24.11.
Variant type: single nucleotide variant.
Coding change: c.1551G>A on transcript NM_000127.3 (MANE Select); coding-DNA position 1551, G replaced by A.
Protein change: p.Trp517Ter; replaces tryptophan 517 with a stop codon.
Molecular consequence: nonsense.
Genome position (GRCh38, 1-based): chr8:117,818,516, C>T on the plus strand (G>A on the coding strand, the complement: EXT1 is on the minus strand). VCF-style: chr8-117818516-C-T. GRCh37 (hg19) VCF-style: chr8-118830755-C-T.
Other names: short protein forms W517*.
Identifiers: ClinVar variation 932048 (VCV000932048.7), dbSNP rs1811865335, ClinGen allele CA371883456.